The following is an entry in ClinVar:

ClinVar aggregate classification (germline): Uncertain significance (1 of 4 stars; one submission).

Submission:

GeneDx
Classification: Uncertain significance. Last evaluated: 2024-10-11. Review status: criteria provided, single submitter. Criteria: GeneDx Variant Classification Process June 2021. Collection method: clinical testing. Allele origin: germline. Affected: yes.
Comment: Not observed at significant frequency in large population cohorts (gnomAD); In silico analysis supports that this missense variant has a deleterious effect on protein structure/function; Has not been previously published as pathogenic or benign to our knowledge

NM_001282531.3(ADNP):c.9A>T (p.Gln3His)

Gene: ADNP (activity dependent neuroprotector homeobox; minus strand). Cytogenetic location: 20q13.13.
Variant type: single nucleotide variant.
Coding change: c.9A>T on transcript NM_001282531.3 (MANE Select); coding-DNA position 9, A replaced by T.
Protein change: p.Gln3His; replaces glutamine 3 with histidine.
Molecular consequence: missense variant.
Genome position (GRCh38, 1-based): chr20:50,903,988, T>A on the plus strand (A>T on the coding strand, the complement: ADNP is on the minus strand). VCF-style: chr20-50903988-T-A. GRCh37 (hg19) VCF-style: chr20-49520525-T-A.
Other names: c.9A>T, p.Gln3His (NM_001282532.2, NM_001347511.2, NM_015339.5 and 1 more transcripts); short protein forms Q3H.
Identifiers: ClinVar variation 3777477 (VCV003777477.1).
Genomic context (GRCh38, chr20:50,903,988, plus strand): 5'-AAGTATTTTTTTCACAGTTTTCCGGGCTTTTCTTAAACTGCCAAGATTGTTGACAGGAAG[T>A]TGGAACATAGTTTCTATTGGAAAAAAAAATTTAAGTCAAAGTCAAAACACGTACAACTTG-3'
Protein context (NP_001269460.1, residues 1-13): MF[Gln3His]LPVNNLGSLR